The following is an entry in ClinVar:

NM_000404.4(GLB1):c.1348-7C>T

Gene: GLB1 (galactosidase beta 1; minus strand). Cytogenetic location: 3p22.3.
Variant type: single nucleotide variant.
Coding change: c.1348-7C>T on transcript NM_000404.4 (MANE Select); 7 bases into the intron before coding-DNA position 1348, C replaced by T.
Molecular consequence: intron variant.
Genome position (GRCh38, 1-based): chr3:33,016,847, G>A on the plus strand (C>T on the coding strand, the complement: GLB1 is on the minus strand). VCF-style: chr3-33016847-G-A. GRCh37 (hg19) VCF-style: chr3-33058339-G-A.
Other names: c.1348-7C>T (NM_001393580.1, NM_000404.3); c.955-7C>T (NM_001135602.3); c.1492-7C>T (NM_001317040.2); c.1258-7C>T (NM_001079811.3).
Identifiers: ClinVar variation 902181 (VCV000902181.13), dbSNP rs774732235, ClinGen allele CA72648786.
Genomic context (GRCh38, chr3:33,016,847, plus strand): 5'-CCCTGTTATGTTCAGAGTGATCACATTGTTTCGCTCAAGGACTCCCTGGGGGATCTGTGG[G>A]GTTCAAGACCAAATGACAATTGAATTGAGGGTAAGAAGGTCAGCAAGGAGAGGCAGCATG-3'

ClinVar aggregate classification (germline): Conflicting classifications of pathogenicity. Review status: criteria provided, conflicting classifications (1 of 4 stars). 5 submissions from 4 submitters: Uncertain significance (2); Likely benign (3). Last evaluated 2025-07-03.

Conditions:
GM1 gangliosidosis. Identifiers: Orphanet 354, MedGen C0085131, MONDO:0018149.
Mucopolysaccharidosis, MPS-IV-B (MPS4B). Also called: Mucopolysaccharidosis type IVB (Morquio); MPS IVB; MORQUIO SYNDROME B; Mucopolysaccharidosis Type IVB; Mucopolysaccharidosis type IV B; Mucopolysaccharidosis Type IVB (Morquio B Disease). Identifiers: Orphanet 309310, Orphanet 582, MedGen C0086652, MONDO:0009660, OMIM 253010.
GLB1-related disorder. Also called: GLB1-related disorders. Identifiers: MedGen CN377807.

Allele frequency attached by ClinVar (database versions not stated): TOPMed 0.00002; gnomAD 0.00003 and 0.00004.
gnomAD v4.1: 55 of 1,613,602 alleles (0.0034%); highest among the groups gnomAD compares: Non-Finnish European, 0.0045%; no homozygotes.

Submissions (5):

PreventionGenetics, part of Exact Sciences
Classification: Likely benign for GLB1-related condition. Last evaluated: 2025-07-03. Review status: criteria provided, single submitter. Criteria: ACMG Guidelines, 2015. Collection method: clinical testing. Allele origin: germline.
Comment: This variant is classified as likely benign based on ACMG/AMP sequence variant interpretation guidelines (Richards et al. 2015 PMID: 25741868, with internal and published modifications).

Labcorp Genetics (formerly Invitae), Labcorp
Classification: Likely benign for Mucopolysaccharidosis, MPS-IV-B; GM1 gangliosidosis. Last evaluated: 2025-04-18. Review status: criteria provided, single submitter. Criteria: Invitae Variant Classification Sherloc (09022015). Collection method: clinical testing. Allele origin: germline.

Blueprint Genetics
Classification: Likely benign. Last evaluated: 2024-02-27. Review status: criteria provided, single submitter. Criteria: ACMG Guidelines, 2015. Collection method: clinical testing. Allele origin: germline.

Illumina Laboratory Services, Illumina
Classification: Uncertain significance for GM1 gangliosidosis. Last evaluated: 2018-01-12. Review status: criteria provided, single submitter. Criteria: ICSL Variant Classification Criteria 13 December 2019. Collection method: clinical testing. Allele origin: germline.

Illumina Laboratory Services, Illumina
Classification: Uncertain significance for Mucopolysaccharidosis, MPS-IV-B. Last evaluated: 2018-01-12. Review status: criteria provided, single submitter. Criteria: ICSL Variant Classification Criteria 13 December 2019. Collection method: clinical testing. Allele origin: germline.